The following is an entry in ClinVar:

ClinVar aggregate classification (germline): Uncertain significance (1 of 4 stars; one submission).

gnomAD v4.1: 1 of 1,550,306 alleles (0.000065%); highest among the groups gnomAD compares: South Asian, 0.0012%; no homozygotes.

Submission:

Labcorp Genetics (formerly Invitae), Labcorp
Classification: Uncertain significance. Last evaluated: 2025-07-14. Review status: criteria provided, single submitter. Criteria: Invitae Variant Classification Sherloc (09022015). Collection method: clinical testing. Allele origin: germline.
Comment: This sequence change replaces proline, which is neutral and non-polar, with serine, which is neutral and polar, at codon 1926 of the ZNF469 protein (p.Pro1926Ser). This variant is not present in population databases (gnomAD no frequency). This variant has not been reported in the literature in individuals affected with ZNF469-related conditions. An algorithm developed to predict the effect of missense changes on protein structure and function (PolyPhen-2) suggests that this variant is likely to be disruptive. In summary, the available evidence is currently insufficient to determine the role of this variant in disease. Therefore, it has been classified as a Variant of Uncertain Significance.

NM_001367624.2(ZNF469):c.5860C>T (p.Pro1954Ser)

Gene: ZNF469 (zinc finger protein 469; plus strand). Cytogenetic location: 16q24.2.
Variant type: single nucleotide variant.
Coding change: c.5860C>T on transcript NM_001367624.2 (MANE Select); coding-DNA position 5860, C replaced by T.
Protein change: p.Pro1954Ser; replaces proline 1954 with serine.
Molecular consequence: missense variant.
Genome position (GRCh38, 1-based): chr16:88,433,330, C>T. VCF-style: chr16-88433330-C-T. GRCh37 (hg19) VCF-style: chr16-88499738-C-T.
Other names: short protein forms P1954S.
Identifiers: ClinVar variation 4723092 (VCV004723092.1).